The following is an entry in ClinVar:

NM_000616.5(CD4):c.1341T>C (p.Cys447=)

Gene: CD4 (CD4 molecule; plus strand). Cytogenetic location: 12p13.31.
Variant type: single nucleotide variant.
Coding change: c.1341T>C on transcript NM_000616.5 (MANE Select); coding-DNA position 1341, T replaced by C.
Protein change: p.Cys447=; no amino-acid change (cysteine 447 retained).
Molecular consequence: synonymous variant.
Genome position (GRCh38, 1-based): chr12:6,818,909, T>C. VCF-style: chr12-6818909-T-C. GRCh37 (hg19) VCF-style: chr12-6928075-T-C.
Other names: c.804T>C, p.Cys268= (NM_001195014.3); c.522T>C, p.Cys174= (NM_001195015.3, NM_001195016.3, NM_001195017.3 and 2 more transcripts); c.1341T>C, p.Cys447= (NM_001382707.1); c.1176T>C, p.Cys392= (NM_001382714.1).
Identifiers: ClinVar variation 1192707 (VCV001192707.5), dbSNP rs12821756, ClinGen allele CA6416066.

ClinVar aggregate classification (germline): Benign. Review status: criteria provided, multiple submitters, no conflicts (2 of 4 stars). 3 submissions from 3 submitters: Benign (3). Last evaluated 2024-01-24.

Conditions:
Immunodeficiency 79. Also called: CD4 deficiency. Identifiers: MedGen C5543220, MONDO:0030981, OMIM 619238.

Allele frequency attached by ClinVar (database versions not stated): gnomAD exomes 0.58109 and 0.64731; ESP Exome Variant Server 0.62019; ExAC 0.64649; gnomAD 0.64811 and 0.65245; TOPMed 0.65451; 1000 Genomes Project 30x 0.75609; 1000 Genomes Project 0.75619.
gnomAD v4.1: 936,431 of 1,590,994 alleles (59%); highest among the groups gnomAD compares: East Asian, 91%; 282,469 homozygotes.

Submissions (3):

Unidad de Genómica Garrahan, Hospital de Pediatría Garrahan
Classification: Benign. Last evaluated: 2024-01-24. Review status: criteria provided, single submitter. Criteria: ACMG Guidelines, 2015. Collection method: clinical testing. Allele origin: germline. Affected: no. Observed: 80 variant alleles.
Comment: This variant is classified as Benign based on local population frequency. This variant was detected in 84% of patients studied by a panel of primary immunodeficiencies. Number of patients: 80. Only high quality variants are reported.

Genome-Nilou Lab
Classification: Benign for Immunodeficiency 79. Last evaluated: 2021-07-14. Review status: criteria provided, single submitter. Criteria: ACMG Guidelines, 2015. Collection method: clinical testing. Allele origin: germline. Affected: no.

Breakthrough Genomics
Classification: Benign. Review status: criteria provided, single submitter. Criteria: ACMG Guidelines, 2015. Collection method: not provided. Allele origin: germline. Inheritance: Autosomal recessive inheritance. Affected: yes.